The following is an entry in ClinVar:

ClinVar aggregate classification (germline): Uncertain significance. Review status: criteria provided, multiple submitters, no conflicts (2 of 4 stars). 4 submissions from 4 submitters: Uncertain significance (3). 1 of the submissions does not count toward it. Last evaluated 2025-04-23.

Conditions:
Cardiomyopathy, dilated, 2D. Identifiers: MedGen C5543535, MONDO:0030300, OMIM 619371.

Allele frequency attached by ClinVar (database versions not stated): gnomAD 0.00001; gnomAD exomes 0.00001; TOPMed 0.00001.
gnomAD v4.1: 15 of 1,612,666 alleles (0.00093%); highest among the groups gnomAD compares: Admixed American, 0.0067%; no homozygotes.

Submissions (4):

3billion
Classification: Uncertain significance for Cardiomyopathy, dilated, 2D. Last evaluated: 2025-04-23. Review status: criteria provided, single submitter. Criteria: ACMG Guidelines, 2015. Collection method: clinical testing. Allele origin: germline. Affected: yes.

Women's Health and Genetics/Laboratory Corporation of America, LabCorp
Classification: Uncertain significance. Last evaluated: 2023-06-09. Review status: criteria provided, single submitter. Criteria: LabCorp Variant Classification Summary - May 2015. Collection method: clinical testing. Allele origin: germline.
Comment: Variant summary: RPL3L c.922G>A (p.Asp308Asn) results in a conservative amino acid change to a conserved residue located in the large globular domain on the cytoplasmic face of the encoded protein sequence (Ganapathi_2020). Another missense variant affecting this residue has been classified as pathogenic by OMIM (ClinVar). Three of five in-silico tools predict a damaging effect of the variant on protein function. The variant was absent in 249816 control chromosomes (gnomAD). c.922G>A has been reported in the literature in an individual affected with neonatal dilated cardiomyopathy (Ganapathi_2020), and the individual was reported with another missense variant in trans that was classified as pathogenic by OMIM. These data suggest the variant may be associated with disease. To our knowledge, no experimental evidence demonstrating an impact on protein function has been reported. Two submitters have provided clinical-significance assessments for this variant to ClinVar after 2014. One classified it as pathogenic one as uncertain significance. Based on the evidence outlined above, the variant was classified as VUS-possibly pathogenic.

GeneDx
Classification: Uncertain significance. Last evaluated: 2023-01-28. Review status: criteria provided, single submitter. Criteria: GeneDx Variant Classification Process June 2021. Collection method: clinical testing. Allele origin: germline. Affected: yes.
Comment: Not observed at significant frequency in large population cohorts (gnomAD); In silico analysis supports that this missense variant has a deleterious effect on protein structure/function; This variant is associated with the following publications: (PMID: 27535533, 35323613, 36291431, 32514796)

OMIM
Classification: Pathogenic for CARDIOMYOPATHY, DILATED, 2D. Last evaluated: 2021-06-06. Review status: no assertion criteria provided. Collection method: literature only. Allele origin: germline. Not counted in ClinVar's aggregate classification.

Literature cited by the submitters: PubMed 32514796 (cited by 3 submitters).

NM_005061.3(RPL3L):c.922G>A (p.Asp308Asn)

Gene: RPL3L (ribosomal protein L3 like; minus strand). Cytogenetic location: 16p13.3.
Variant type: single nucleotide variant.
Coding change: c.922G>A on transcript NM_005061.3 (MANE Select); coding-DNA position 922, G replaced by A.
Protein change: p.Asp308Asn; replaces aspartic acid 308 with asparagine.
Molecular consequence: missense variant.
Genome position (GRCh38, 1-based): chr16:1,946,654, C>T on the plus strand (G>A on the coding strand, the complement: RPL3L is on the minus strand). VCF-style: chr16-1946654-C-T. GRCh37 (hg19) VCF-style: chr16-1996655-C-T.
Other names: c.922G>A (NM_005061.2); short protein forms D308N.
Identifiers: ClinVar variation 1162251 (VCV001162251.8), dbSNP rs771732216, ClinGen allele CA276732979.
Genomic context (GRCh38, chr16:1,946,654, plus strand): 5'-GGGCCTGGCAGTCGCCCCCTCCCAGCCTCACCAGCGGTGTGATGGACTTGGCAGTCACGT[C>T]GTAGCTGGTGGATGCATTGTTCTTCACCAGCTTCCCGTCCTCCATGTGCGGGCCCCTGCC-3'
Protein context (NP_005052.1, residues 298-318): LVKNNASTSY[Asp308Asn]VTAKSITPLG